The following is an entry in ClinVar:

NM_000553.6(WRN):c.2464A>G (p.Ile822Val)

Gene: WRN (WRN RecQ like helicase; plus strand). Cytogenetic location: 8p12.
Variant type: single nucleotide variant.
Coding change: c.2464A>G on transcript NM_000553.6 (MANE Select); coding-DNA position 2464, A replaced by G.
Protein change: p.Ile822Val; replaces isoleucine 822 with valine.
Molecular consequence: missense variant.
Genome position (GRCh38, 1-based): chr8:31,120,258, A>G. VCF-style: chr8-31120258-A-G. GRCh37 (hg19) VCF-style: chr8-30977774-A-G.
Other names: short protein forms I822V.
Identifiers: ClinVar variation 572920 (VCV000572920.6), dbSNP rs1188633913, ClinGen allele CA370915203.

ClinVar aggregate classification (germline): Uncertain significance. Review status: criteria provided, multiple submitters, no conflicts (2 of 4 stars). 2 submissions from 2 submitters: Uncertain significance (2). Last evaluated 2021-10-26.

Conditions:
Inborn genetic diseases. Identifiers: MedGen C0950123, MeSH D030342.
Werner syndrome (WRN). Identifiers: Orphanet 902, MedGen C0043119, MONDO:0010196, OMIM 277700.

Allele frequency attached by ClinVar (database versions not stated): gnomAD exomes below 0.00001.

Submissions (2):

Ambry Genetics
Classification: Uncertain significance for Inborn genetic diseases. Last evaluated: 2021-10-26. Review status: criteria provided, single submitter. Criteria: Ambry Variant Classification Scheme 2023. Collection method: clinical testing. Allele origin: germline.

Labcorp Genetics (formerly Invitae), Labcorp
Classification: Uncertain significance for Werner syndrome. Last evaluated: 2021-03-18. Review status: criteria provided, single submitter. Criteria: Invitae Variant Classification Sherloc (09022015). Collection method: clinical testing. Allele origin: germline.
Comment: In summary, the available evidence is currently insufficient to determine the role of this variant in disease. Therefore, it has been classified as a Variant of Uncertain Significance. Algorithms developed to predict the effect of missense changes on protein structure and function output the following: SIFT: "Tolerated"; PolyPhen-2: "Benign"; Align-GVGD: "Class C0". The valine amino acid residue is found in multiple mammalian species, suggesting that this missense change does not adversely affect protein function. These predictions have not been confirmed by published functional studies and their clinical significance is uncertain. This variant has not been reported in the literature in individuals with WRN-related disease. This variant is not present in population databases (ExAC no frequency). This sequence change replaces isoleucine with valine at codon 822 of the WRN protein (p.Ile822Val). The isoleucine residue is weakly conserved and there is a small physicochemical difference between isoleucine and valine.